The following is an entry in ClinVar:

ClinVar aggregate classification (germline): Benign. Review status: criteria provided, multiple submitters, no conflicts (2 of 4 stars). 2 submissions from 2 submitters: Benign (2). Last evaluated 2018-01-13.

Conditions:
Neuronal ceroid lipofuscinosis 7 (CLN7). Also called: MFSD8-Related Neuronal Ceroid-Lipofuscinosis. Identifiers: Orphanet 168491, Orphanet 228366, MedGen C1838571, MONDO:0012588, OMIM 610951.

Allele frequency attached by ClinVar (database versions not stated): gnomAD exomes 0.04019; gnomAD 0.08050 and 0.08086; TOPMed 0.09049; 1000 Genomes Project 30x 0.12227; 1000 Genomes Project 0.12320.
gnomAD v4.1: 12,477 of 161,336 alleles (7.7%); highest among the groups gnomAD compares: East Asian, 26%; 973 homozygotes.

Submissions (2):

Illumina Laboratory Services, Illumina
Classification: Benign for Neuronal ceroid lipofuscinosis 7. Last evaluated: 2018-01-13. Review status: criteria provided, single submitter. Criteria: ICSL Variant Classification Criteria 13 December 2019. Collection method: clinical testing. Allele origin: germline.
Comment: This variant was observed in the ICSL laboratory as part of a predisposition screen in an ostensibly healthy population. It had not been previously curated by ICSL or reported in the Human Gene Mutation Database (HGMD: prior to June 1st, 2018), and was therefore a candidate for classification through an automated scoring system. Utilizing variant allele frequency, disease prevalence and penetrance estimates, and inheritance mode, an automated score was calculated to assess if this variant is too frequent to cause the disease. Based on the score and internal cut-off values, a variant classified as benign is not then subjected to further curation. The score for this variant resulted in a classification of benign for this disease.

Breakthrough Genomics
Classification: Benign. Review status: criteria provided, single submitter. Criteria: ACMG Guidelines, 2015. Collection method: not provided. Allele origin: germline. Inheritance: Autosomal recessive inheritance. Affected: yes.

NM_001371596.2(MFSD8):c.*533G>A

Gene: MFSD8 (major facilitator superfamily domain containing 8; minus strand). Cytogenetic location: 4q28.2.
Variant type: single nucleotide variant.
Coding change: c.*533G>A on transcript NM_001371596.2 (MANE Select); 533 bases downstream of the stop codon, G replaced by A.
Molecular consequence: 3 prime UTR variant.
Genome position (GRCh38, 1-based): chr4:127,920,097, C>T on the plus strand (G>A on the coding strand, the complement: MFSD8 is on the minus strand). VCF-style: chr4-127920097-C-T. GRCh37 (hg19) VCF-style: chr4-128841252-C-T.
Other names: c.*533G>A (NM_001363520.3, NM_001363521.3, NM_001371590.2 and 7 more transcripts); c.*1662G>A (NM_001410766.1).
Identifiers: ClinVar variation 347533 (VCV000347533.8), dbSNP rs11940642, ClinGen allele CA10617052.